The following is an entry in ClinVar:

ClinVar aggregate classification (germline): Uncertain significance (1 of 4 stars; one submission).

Submission:

GeneDx
Classification: Uncertain significance. Last evaluated: 2025-03-31. Review status: criteria provided, single submitter. Criteria: GeneDx Variant Classification Process June 2021. Collection method: clinical testing. Allele origin: germline. Affected: yes.
Comment: Not observed at significant frequency in large population cohorts (gnomAD); In silico analysis supports that this missense variant has a deleterious effect on protein structure/function; Has not been previously published as pathogenic or benign to our knowledge

NM_003660.4(PPFIA3):c.2333G>C (p.Arg778Pro)

Gene: PPFIA3 (PPFI scaffold protein A3; plus strand). Cytogenetic location: 19q13.33.
Variant type: single nucleotide variant.
Coding change: c.2333G>C on transcript NM_003660.4 (MANE Select); coding-DNA position 2333, G replaced by C.
Protein change: p.Arg778Pro; replaces arginine 778 with proline.
Molecular consequence: missense variant. On other transcripts: non-coding transcript variant (1).
Genome position (GRCh38, 1-based): chr19:49,140,053, G>C. VCF-style: chr19-49140053-G-C. GRCh37 (hg19) VCF-style: chr19-49643310-G-C.
Other names: short protein forms R778P.
Identifiers: ClinVar variation 4278767 (VCV004278767.1).